The following is an entry in ClinVar:

NM_001378609.3(OTOGL):c.1712-3C>A

Gene: OTOGL (otogelin like; plus strand). Cytogenetic location: 12q21.31.
Variant type: single nucleotide variant.
Coding change: c.1712-3C>A on transcript NM_001378609.3 (MANE Select); 3 bases into the intron before coding-DNA position 1712, C replaced by A.
Molecular consequence: intron variant.
Genome position (GRCh38, 1-based): chr12:80,257,822, C>A. VCF-style: chr12-80257822-C-A. GRCh37 (hg19) VCF-style: chr12-80651602-C-A.
Other names: c.1685-3C>A (NM_173591.3); c.1712-3C>A (NM_001368062.3, NM_001378610.3, NM_173591.7).
Identifiers: ClinVar variation 1803314 (VCV001803314.6), dbSNP rs139232378, ClinGen allele CA6700568.

ClinVar aggregate classification (germline): Conflicting classifications of pathogenicity. Review status: criteria provided, conflicting classifications (1 of 4 stars). 3 submissions from 3 submitters: Uncertain significance (1); Likely benign (1). 1 of the submissions does not count toward it. Last evaluated 2025-06-16.

Conditions:
OTOGL-related disorder. Also called: OTOGL-related condition.

Allele frequency attached by ClinVar (database versions not stated): TOPMed 0.00008; gnomAD exomes 0.00048; 1000 Genomes Project 30x 0.00109; gnomAD 0.00027; ExAC 0.00037; 1000 Genomes Project 0.00140.
gnomAD v4.1: 704 of 1,566,868 alleles (0.045%); highest among the groups gnomAD compares: East Asian, 1.6%; 16 homozygotes.

Submissions (3):

Labcorp Genetics (formerly Invitae), Labcorp
Classification: Likely benign. Last evaluated: 2025-06-16. Review status: criteria provided, single submitter. Criteria: Invitae Variant Classification Sherloc (09022015). Collection method: clinical testing. Allele origin: germline.

GeneDx
Classification: Uncertain significance. Last evaluated: 2022-06-07. Review status: criteria provided, single submitter. Criteria: GeneDx Variant Classification Process June 2021. Collection method: clinical testing. Allele origin: germline. Affected: yes.
Comment: In silico analysis supports a deleterious effect on splicing; Has not been previously published as pathogenic or benign to our knowledge

PreventionGenetics, part of Exact Sciences
Classification: Likely benign for OTOGL-related condition. Last evaluated: 2020-08-31. Review status: no assertion criteria provided. Collection method: clinical testing. Allele origin: germline. Not counted in ClinVar's aggregate classification.
Comment: This variant is classified as likely benign based on ACMG/AMP sequence variant interpretation guidelines (Richards et al. 2015 PMID: 25741868, with internal and published modifications).